The following is an entry in ClinVar:

ClinVar aggregate classification (germline): Pathogenic/Likely pathogenic. Review status: criteria provided, multiple submitters, no conflicts (2 of 4 stars). 2 submissions from 2 submitters: Pathogenic (1); Likely pathogenic (1). Last evaluated 2024-08-28.

Conditions:
Hereditary spastic paraplegia 49 (HSAN9). Also called: Spastic paraplegia 49, autosomal recessive; TECPR2-Related Hereditary Sensory and Autonomic Neuropathy with Intellectual Disability; NEUROPATHY, HEREDITARY SENSORY AND AUTONOMIC, TYPE IX, WITH DEVELOPMENTAL DELAY. Identifiers: Orphanet 320385, MedGen C5190860, MONDO:0014016, OMIM 615031.

Submissions (2):

Natera, Inc.
Classification: Likely pathogenic for Autosomal recessive spastic paraplegia type 49. Last evaluated: 2024-08-28. Review status: criteria provided, single submitter. Criteria: Natera Variant Classification Schema (03/2026). Collection method: clinical testing. Allele origin: germline.
Comment: The c.3787del variant in TECPR2 is a frameshift variant predicted to shift the reading frame beginning at codon 1263 and leads to a stop codon 57 codons downstream. This variant is expected to result in nonsense mediated decay, truncation, or a dysfunctional protein product. This variant is rare in the general population with a frequency below the threshold expected for the associated phenotype(s). Given the available evidence, this variant is classified as Likely Pathogenic.

Labcorp Genetics (formerly Invitae), Labcorp
Classification: Pathogenic for Hereditary spastic paraplegia 49. Last evaluated: 2022-02-03. Review status: criteria provided, single submitter. Criteria: Invitae Variant Classification Sherloc (09022015). Collection method: clinical testing. Allele origin: germline.
Comment: For these reasons, this variant has been classified as Pathogenic. This variant has not been reported in the literature in individuals affected with TECPR2-related conditions. This variant is not present in population databases (gnomAD no frequency). This sequence change creates a premature translational stop signal (p.Gln1263Serfs*57) in the TECPR2 gene. It is expected to result in an absent or disrupted protein product. Loss-of-function variants in TECPR2 are known to be pathogenic (PMID: 23176824, 25590979).

Literature cited by the submitters: PubMed 23176824 (cited by Labcorp Genetics (formerly Invitae), Labcorp); PubMed 25590979 (cited by Labcorp Genetics (formerly Invitae), Labcorp).

NM_014844.5(TECPR2):c.3787del (p.Gln1263fs)

Gene: TECPR2 (tectonin beta-propeller repeat containing 2; plus strand). Cytogenetic location: 14q32.31.
Variant type: Deletion.
Coding change: c.3787del on transcript NM_014844.5 (MANE Select); coding-DNA position 3787, one base deleted (C; older notation c.3787delC).
Protein change: p.Gln1263fs; shifts the reading frame from glutamine 1263.
Molecular consequence: frameshift variant.
Genome position (GRCh38, 1-based): chr14:102,465,287, C deleted; the last of 2 consecutive C bases (chr14:102,465,286-102,465,287); deleting either gives the same sequence. VCF-style (leftmost placement, unchanged base first): chr14-102465285-TC-T. GRCh37 (hg19) VCF-style: chr14-102931622-TC-T.
Other names: c.3787del, p.Gln1263fs (NM_001172631.3); c.3787del (NM_014844.4); short protein forms Q1263fs.
Identifiers: ClinVar variation 2157007 (VCV002157007.5), dbSNP rs2504480577, ClinGen allele CA2580088425.